The following is an entry in ClinVar:

NM_001605.3(AARS1):c.1332G>A (p.Glu444=)

Gene: AARS1 (alanyl-tRNA synthetase 1; minus strand). Cytogenetic location: 16q22.1.
Variant type: single nucleotide variant.
Coding change: c.1332G>A on transcript NM_001605.3 (MANE Select); coding-DNA position 1332, G replaced by A.
Protein change: p.Glu444=; no amino-acid change (glutamic acid 444 retained).
Molecular consequence: synonymous variant.
Genome position (GRCh38, 1-based): chr16:70,265,553, C>T on the plus strand (G>A on the coding strand, the complement: AARS1 is on the minus strand). VCF-style: chr16-70265553-C-T. GRCh37 (hg19) VCF-style: chr16-70299456-C-T.
Other names: p.Glu444=.
Identifiers: ClinVar variation 320343 (VCV000320343.55), dbSNP rs150442667, ClinGen allele CA8140856.
Genomic context (GRCh38, chr16:70,265,553, plus strand): 5'-GGTTGGAAGGTGTTGGGTTTCCTGTTCACTCTCCAAGTTCTTTACCTGGGCCAGTTTCCT[C>T]TCCTCTTCAAAGCCATCCATGTCTACCACCAGGCCCTTCTCTTCAGCAATCAGTCCAGTC-3'
Protein context (NP_001596.2, residues 434-454): LVVDMDGFEE[Glu444=]RKLAQLKSQG

ClinVar aggregate classification (germline): Benign/Likely benign. Review status: criteria provided, multiple submitters, no conflicts (2 of 4 stars). 12 submissions from 12 submitters: Benign (5); Likely benign (3). 4 of the submissions do not count toward it. Last evaluated 2026-09-01.

Conditions:
Charcot-Marie-Tooth disease axonal type 2N (CMT2N). Also called: CHARCOT-MARIE-TOOTH DISEASE, AXONAL, AUTOSOMAL DOMINANT, TYPE 2N; CHARCOT-MARIE-TOOTH NEUROPATHY, AXONAL, TYPE 2N; Charcot-Marie-Tooth Neuropathy Type 2N. Identifiers: Orphanet 228174, MedGen C2750090, MONDO:0013212, OMIM 613287.
AARS1-related disorder. Also called: AARS1-related condition.
Inborn genetic diseases. Identifiers: MedGen C0950123, MeSH D030342.
Charcot-Marie-Tooth disease type 2. Also called: Charcot-Marie-Tooth type 2. Identifiers: Orphanet 64746, MedGen C0270914, MONDO:0018993.

Allele frequency attached by ClinVar (database versions not stated): ESP Exome Variant Server 0.00077; gnomAD 0.00087 and 0.00096; gnomAD exomes 0.00105 and 0.00151; TOPMed 0.00118; ExAC 0.00155; 1000 Genomes Project 30x 0.00219; 1000 Genomes Project 0.00240.
gnomAD v4.1: 1,726 of 1,613,994 alleles (0.11%); highest among the groups gnomAD compares: South Asian, 0.56%; 9 homozygotes.

Submissions (12):

CeGaT Center for Human Genetics Tuebingen
Classification: Likely benign. Last evaluated: 2026-09-01. Review status: criteria provided, single submitter. Criteria: CeGaT Center For Human Genetics Tuebingen Variant Classification Criteria Version 2. Collection method: clinical testing. Allele origin: germline. Affected: yes. Observed: 25 variant alleles.
Comment: AARS1: BP4, BP7

Labcorp Genetics (formerly Invitae), Labcorp
Classification: Benign for Charcot-Marie-Tooth disease type 2. Last evaluated: 2026-02-01. Review status: criteria provided, single submitter. Criteria: Invitae Variant Classification Sherloc (09022015). Collection method: clinical testing. Allele origin: germline.

ARUP Laboratories, Molecular Genetics and Genomics, ARUP Laboratories
Classification: Benign. Last evaluated: 2025-02-26. Review status: criteria provided, single submitter. Criteria: ARUP Molecular Germline Variant Investigation Process 2024. Collection method: clinical testing. Allele origin: germline.

Mayo Clinic Laboratories, Mayo Clinic
Classification: Benign. Last evaluated: 2020-03-31. Review status: criteria provided, single submitter. Criteria: ACMG Guidelines, 2015. Collection method: clinical testing. Allele origin: germline. Observed: 4 variant alleles.

Ambry Genetics
Classification: Likely benign for Inborn genetic diseases. Last evaluated: 2019-07-11. Review status: criteria provided, single submitter. Criteria: Ambry Variant Classification Scheme 2023. Collection method: clinical testing. Allele origin: germline.

Illumina Laboratory Services, Illumina
Classification: Benign for Charcot-Marie-Tooth disease axonal type 2N. Last evaluated: 2018-01-12. Review status: criteria provided, single submitter. Criteria: ICSL Variant Classification Criteria 13 December 2019. Collection method: clinical testing. Allele origin: germline.
Comment: This variant was observed in the ICSL laboratory as part of a predisposition screen in an ostensibly healthy population. It had not been previously curated by ICSL or reported in the Human Gene Mutation Database (HGMD: prior to June 1st, 2018), and was therefore a candidate for classification through an automated scoring system. Utilizing variant allele frequency, disease prevalence and penetrance estimates, and inheritance mode, an automated score was calculated to assess if this variant is too frequent to cause the disease. Based on the score and internal cut-off values, a variant classified as benign is not then subjected to further curation. The score for this variant resulted in a classification of benign for this disease.

GeneDx
Classification: Benign. Last evaluated: 2015-04-16. Review status: criteria provided, single submitter. Criteria: GeneDx Variant Classification (06012015). Collection method: clinical testing. Allele origin: germline. Affected: yes.
Comment: This variant is considered likely benign or benign based on one or more of the following criteria: it is a conservative change, it occurs at a poorly conserved position in the protein, it is predicted to be benign by multiple in silico algorithms, and/or has population frequency not consistent with disease.

Breakthrough Genomics
Classification: Likely benign. Review status: criteria provided, single submitter. Criteria: ACMG Guidelines, 2015. Collection method: not provided. Allele origin: germline. Inheritance: Autosomal recessive inheritance. Affected: yes.

PreventionGenetics, part of Exact Sciences
Classification: Likely benign for AARS1-related condition. Last evaluated: 2020-02-21. Review status: no assertion criteria provided. Collection method: clinical testing. Allele origin: germline. Not counted in ClinVar's aggregate classification.
Comment: This variant is classified as likely benign based on ACMG/AMP sequence variant interpretation guidelines (Richards et al. 2015 PMID: 25741868, with internal and published modifications).

Clinical Genetics DNA and cytogenetics Diagnostics Lab, Erasmus MC, Erasmus Medical Center
Classification: Benign. Review status: no assertion criteria provided. Collection method: clinical testing. Allele origin: germline. Affected: yes. Study: VKGL Data-share Consensus. Not counted in ClinVar's aggregate classification.

Clinical Genetics, Academic Medical Center
Classification: Benign. Review status: no assertion criteria provided. Collection method: clinical testing. Allele origin: germline. Affected: yes. Study: VKGL Data-share Consensus. Not counted in ClinVar's aggregate classification.

Genome Diagnostics Laboratory, University Medical Center Utrecht
Classification: Likely benign. Review status: no assertion criteria provided. Collection method: clinical testing. Allele origin: germline. Affected: yes. Study: VKGL Data-share Consensus. Not counted in ClinVar's aggregate classification.